The following is an entry in ClinVar:

ClinVar aggregate classification (germline): Uncertain significance. Review status: criteria provided, multiple submitters, no conflicts (2 of 4 stars). 2 submissions from 2 submitters: Uncertain significance (2). Last evaluated 2025-04-20.

gnomAD v4.1: 1 of 1,569,384 alleles (0.000064%); highest among the groups gnomAD compares: Non-Finnish European, 0.000086%; no homozygotes.

Submissions (2):

Ambry Genetics
Classification: Uncertain significance. Last evaluated: 2025-04-20. Review status: criteria provided, single submitter. Criteria: Ambry Variant Classification Scheme 2023. Collection method: clinical testing. Allele origin: germline.

Labcorp Genetics (formerly Invitae), Labcorp
Classification: Uncertain significance. Last evaluated: 2023-03-12. Review status: criteria provided, single submitter. Criteria: Invitae Variant Classification Sherloc (09022015). Collection method: clinical testing. Allele origin: germline.
Comment: This variant is not present in population databases (gnomAD no frequency). This sequence change replaces alanine, which is neutral and non-polar, with serine, which is neutral and polar, at codon 52 of the AGAP1 protein (p.Ala52Ser). This variant has not been reported in the literature in individuals affected with AGAP1-related conditions. An algorithm developed to predict the effect of missense changes on protein structure and function (PolyPhen-2) suggests that this variant is likely to be tolerated. In summary, the available evidence is currently insufficient to determine the role of this variant in disease. Therefore, it has been classified as a Variant of Uncertain Significance.

NM_001037131.3(AGAP1):c.154G>T (p.Ala52Ser)

Gene: AGAP1 (ArfGAP with GTPase domain, ankyrin repeat and PH domain 1; plus strand). Cytogenetic location: 2q37.2.
Variant type: single nucleotide variant.
Coding change: c.154G>T on transcript NM_001037131.3 (MANE Select); coding-DNA position 154, G replaced by T.
Protein change: p.Ala52Ser; replaces alanine 52 with serine.
Molecular consequence: missense variant.
Genome position (GRCh38, 1-based): chr2:235,494,840, G>T. VCF-style: chr2-235494840-G-T. GRCh37 (hg19) VCF-style: chr2-236403484-G-T.
Other names: c.154G>T (NM_001037131.2); c.154G>T, p.Ala52Ser (NM_001244888.2, NM_001412122.1, NM_014914.5); short protein forms A52S.
Identifiers: ClinVar variation 2874891 (VCV002874891.4), dbSNP rs1255540343, ClinGen allele CA351181073.